The following is an entry in ClinVar:

ClinVar aggregate classification (germline): Conflicting classifications of pathogenicity. Review status: criteria provided, conflicting classifications (1 of 4 stars). 3 submissions from 3 submitters: Likely pathogenic (1); Uncertain significance (2). Last evaluated 2025-10-15.

Conditions:
Neurodegeneration with brain iron accumulation 2B. Also called: NEUROAXONAL DYSTROPHY, ATYPICAL; NEURODEGENERATION WITH BRAIN IRON ACCUMULATION, PLA2G6-RELATED; aNAD; atypical Neuroaxonal Dystrophy (aNAD). Identifiers: Orphanet 35069, MedGen C1857747, MONDO:0012444, OMIM 610217.
Infantile neuroaxonal dystrophy (NBIA2A). Also called: NEURODEGENERATION WITH BRAIN IRON ACCUMULATION 2A; SEITELBERGER DISEASE; Infantile neuroaxonal dystrophy 1. Identifiers: Orphanet 35069, MedGen C0270724, MONDO:0024457, OMIM 256600.

Allele frequency attached by ClinVar (database versions not stated): TOPMed 0.00003; gnomAD exomes below 0.00001; ExAC 0.00001; gnomAD 0.00001.
gnomAD v4.1: 6 of 1,613,500 alleles (0.00037%); highest among the groups gnomAD compares: Admixed American, 0.0017%; no homozygotes.

Submissions (3):

Department of Medical Genetics, Medical University of Warsaw
Classification: Likely pathogenic for Neurodegeneration with brain iron accumulation 2B. Last evaluated: 2025-10-15. Review status: criteria provided, single submitter. Criteria: ACMG Guidelines, 2015. Collection method: research. Allele origin: maternal. Inheritance: Autosomal recessive inheritance. Affected: yes.
Comment: The NM_003560.4(PLA2G6):c.1999G>A (p.Glu667Lys) variant results in a missense change replacing a conserved glutamic acid with lysine. The variant is located in a functionally important hotspot region of PLA2G6, where four other missense pathogenic variants have been reported within ±8 amino acids (PM1). This allele is extremely rare in population databases, observed at a frequency of 0.00000372 in 1,613,500 control chromosomes in gnomAD, with no homozygous individuals (PM2). In silico tools (REVEL, AlphaMissense) predict a damaging effect on protein structure and/or function (PP3). Classification according to ACMG/AMP guidelines was performed using the GeneBe platform (PMID: 38440907). The association between PLA2G6 variants and NBIA is supported by published evidence (PMID: 37236368).

GeneDx
Classification: Uncertain significance. Last evaluated: 2024-09-21. Review status: criteria provided, single submitter. Criteria: GeneDx Variant Classification Process June 2021. Collection method: clinical testing. Allele origin: germline. Affected: yes.
Comment: Has not been previously published as pathogenic or benign to our knowledge; Not observed at significant frequency in large population cohorts (gnomAD); In silico analysis supports that this missense variant has a deleterious effect on protein structure/function

3billion
Classification: Uncertain significance for Infantile neuroaxonal dystrophy. Last evaluated: 2022-03-22. Review status: criteria provided, single submitter. Criteria: ACMG Guidelines, 2015. Collection method: clinical testing. Allele origin: germline. Affected: yes. Observed: 1 heterozygote.
Comment: The variant is observed at an extremely low frequency in the gnomAD v2.1.1 dataset (total allele frequency: 0.0000080). In silico tool predictions suggest damaging effect of the variant on gene or gene product (REVEL: 0.85>=0.6, 3CNET: 0.985>=0.75). A missense variant is a common mechanism. Therefore, this variant is classified as uncertain significance according to the recommendation of ACMG/AMP guideline.

Literature cited by the submitters: DOI 10.1016/j.arr.2023.101957 (cited by Department of Medical Genetics, Medical University of Warsaw).

NM_003560.4(PLA2G6):c.1999G>A (p.Glu667Lys)

Gene: PLA2G6 (phospholipase A2 group VI; minus strand). Cytogenetic location: 22q13.1.
Variant type: single nucleotide variant.
Coding change: c.1999G>A on transcript NM_003560.4 (MANE Select); coding-DNA position 1999, G replaced by A.
Protein change: p.Glu667Lys; replaces glutamic acid 667 with lysine.
Molecular consequence: missense variant.
Genome position (GRCh38, 1-based): chr22:38,115,562, C>T on the plus strand (G>A on the coding strand, the complement: PLA2G6 is on the minus strand). VCF-style: chr22-38115562-C-T. GRCh37 (hg19) VCF-style: chr22-38511569-C-T.
Other names: c.1837G>A, p.Glu613Lys (NM_001004426.3, NM_001199562.3, NM_001349865.2 and 1 more transcripts); c.1999G>A, p.Glu667Lys (NM_001349864.2); c.1465G>A, p.Glu489Lys (NM_001349867.2); c.1321G>A, p.Glu441Lys (NM_001349868.2); c.1303G>A, p.Glu435Lys (NM_001349869.2); c.1999G>A (NM_003560.2); short protein forms E435K, E441K, E489K, E613K, E667K.
Identifiers: ClinVar variation 1526162 (VCV001526162.3), dbSNP rs762928103, ClinGen allele CA10230659.